The following is an entry in ClinVar:

NM_015559.3(SETBP1):c.1207A>T (p.Thr403Ser)

Gene: SETBP1 (SET binding protein 1; plus strand). Cytogenetic location: 18q12.3.
Variant type: single nucleotide variant.
Coding change: c.1207A>T on transcript NM_015559.3 (MANE Select); coding-DNA position 1207, A replaced by T.
Protein change: p.Thr403Ser; replaces threonine 403 with serine.
Molecular consequence: missense variant.
Genome position (GRCh38, 1-based): chr18:44,950,547, A>T. VCF-style: chr18-44950547-A-T. GRCh37 (hg19) VCF-style: chr18-42530512-A-T.
Other names: c.1207A>T, p.Thr403Ser (NM_001379141.1, NM_001379142.1); short protein forms T403S.
Identifiers: ClinVar variation 1359062 (VCV001359062.8), dbSNP rs889486174, ClinGen allele CA299697029.

ClinVar aggregate classification (germline): Uncertain significance (1 of 4 stars; one submission).

Submission:

Labcorp Genetics (formerly Invitae), Labcorp
Classification: Uncertain significance. Last evaluated: 2022-01-14. Review status: criteria provided, single submitter. Criteria: Invitae Variant Classification Sherloc (09022015). Collection method: clinical testing. Allele origin: germline.
Comment: In summary, the available evidence is currently insufficient to determine the role of this variant in disease. Therefore, it has been classified as a Variant of Uncertain Significance. Algorithms developed to predict the effect of missense changes on protein structure and function (SIFT, PolyPhen-2, Align-GVGD) all suggest that this variant is likely to be disruptive. This variant has not been reported in the literature in individuals affected with SETBP1-related conditions. This variant is not present in population databases (gnomAD no frequency). This sequence change replaces threonine, which is neutral and polar, with serine, which is neutral and polar, at codon 403 of the SETBP1 protein (p.Thr403Ser).